The following is an entry in ClinVar:

ClinVar aggregate classification (germline): Uncertain significance (1 of 4 stars; one submission).

Conditions:
Spastic paraplegia. Identifiers: MedGen C0037772, HP:0001258.

Allele frequency attached by ClinVar (database versions not stated): TOPMed 0.00001.
gnomAD v4.1: 1 of 1,614,224 alleles (0.000062%); no homozygotes.

Submission:

Labcorp Genetics (formerly Invitae), Labcorp
Classification: Uncertain significance for Spastic paraplegia. Last evaluated: 2023-08-10. Review status: criteria provided, single submitter. Criteria: Invitae Variant Classification Sherloc (09022015). Collection method: clinical testing. Allele origin: germline.
Comment: Advanced modeling of protein sequence and biophysical properties (such as structural, functional, and spatial information, amino acid conservation, physicochemical variation, residue mobility, and thermodynamic stability) performed at Invitae indicates that this missense variant is not expected to disrupt B4GALNT1 protein function. In summary, the available evidence is currently insufficient to determine the role of this variant in disease. Therefore, it has been classified as a Variant of Uncertain Significance. ClinVar contains an entry for this variant (Variation ID: 2143707). This sequence change replaces proline, which is neutral and non-polar, with leucine, which is neutral and non-polar, at codon 108 of the B4GALNT1 protein (p.Pro108Leu). This variant is not present in population databases (gnomAD no frequency). This variant has not been reported in the literature in individuals affected with B4GALNT1-related conditions.

NM_001478.5(B4GALNT1):c.323C>T (p.Pro108Leu)

Gene: B4GALNT1 (beta-1,4-N-acetyl-galactosaminyltransferase 1; minus strand). Cytogenetic location: 12q13.3.
Variant type: single nucleotide variant.
Coding change: c.323C>T on transcript NM_001478.5 (MANE Select); coding-DNA position 323, C replaced by T.
Protein change: p.Pro108Leu; replaces proline 108 with leucine.
Molecular consequence: missense variant. On other transcripts: intron variant (1).
Genome position (GRCh38, 1-based): chr12:57,631,260, G>A on the plus strand (C>T on the coding strand, the complement: B4GALNT1 is on the minus strand). VCF-style: chr12-57631260-G-A. GRCh37 (hg19) VCF-style: chr12-58025043-G-A.
Other names: c.323C>T, p.Pro108Leu (NM_001276469.2, NM_001413967.1, NM_001413968.1 and 9 more transcripts); c.219-174C>T (NM_001276468.2); short protein forms P108L.
Identifiers: ClinVar variation 2143707 (VCV002143707.4), dbSNP rs749175753, ClinGen allele CA385501732.